The following is an entry in ClinVar:

ClinVar aggregate classification (germline): Uncertain significance (1 of 4 stars; one submission).

Conditions:
Hyperphosphatasia with impaired intellectual development syndrome 6. Also called: Hyperphosphatasia with intellectual disability syndrome 6; GLYCOSYLPHOSPHATIDYLINOSITOL BIOSYNTHESIS DEFECT 12. Identifiers: Orphanet 247262, MedGen C4225201, MONDO:0014780, OMIM 616809.

Allele frequency attached by ClinVar (database versions not stated): gnomAD exomes below 0.00001; TOPMed 0.00001.
gnomAD v4.1: 1 of 1,549,200 alleles (0.000065%); highest among the groups gnomAD compares: Non-Finnish European, 0.000087%; no homozygotes.

Submission:

Baylor Genetics
Classification: Uncertain significance for Hyperphosphatasia with impaired intellectual development syndrome 6. Last evaluated: 2018-12-01. Review status: criteria provided, single submitter. Criteria: ACMG Guidelines, 2015. Collection method: clinical testing. Allele origin: unknown. Affected: yes.
Comment: This variant was determined to be of uncertain significance according to ACMG Guidelines, 2015 [PMID:25741868].

NM_001042616.3(PIGY):c.-334C>T

Genes: PIGY (phosphatidylinositol glycan anchor biosynthesis class Y; minus strand), PYURF (PIGY upstream open reading frame; minus strand). Cytogenetic location: 4q22.1.
Variant type: single nucleotide variant.
Coding change: c.-334C>T on transcript NM_001042616.3 (MANE Select); 334 bases upstream of the start codon, C replaced by T.
Molecular consequence: 5 prime UTR variant. On other transcripts: missense variant (1).
Genome position (GRCh38, 1-based): chr4:88,523,591, G>A on the plus strand (C>T on the coding strand, the complement: PIGY is on the minus strand). VCF-style: chr4-88523591-G-A. GRCh37 (hg19) VCF-style: chr4-89444742-G-A.
Other names: c.110C>T, p.Ala37Val (NM_032906.5); short protein forms A37V.
Identifiers: ClinVar variation 1033242 (VCV001033242.1), dbSNP rs1401283490, ClinGen allele CA357643453.